The following is an entry in ClinVar:

ClinVar aggregate classification (germline): Uncertain significance. Review status: criteria provided, multiple submitters, no conflicts (2 of 4 stars). 2 submissions from 2 submitters: Uncertain significance (2). Last evaluated 2024-11-19.

Conditions:
Inborn genetic diseases. Identifiers: MedGen C0950123, MeSH D030342.

Allele frequency attached by ClinVar (database versions not stated): gnomAD 0.00001.
gnomAD v4.1: 6 of 1,613,810 alleles (0.00037%); highest among the groups gnomAD compares: East Asian, 0.0022%; no homozygotes.

Submissions (2):

Labcorp Genetics (formerly Invitae), Labcorp
Classification: Uncertain significance. Last evaluated: 2024-11-19. Review status: criteria provided, single submitter. Criteria: Invitae Variant Classification Sherloc (09022015). Collection method: clinical testing. Allele origin: germline.
Comment: This sequence change replaces alanine, which is neutral and non-polar, with threonine, which is neutral and polar, at codon 131 of the CLCN7 protein (p.Ala131Thr). This variant is not present in population databases (gnomAD no frequency). This variant has not been reported in the literature in individuals affected with CLCN7-related conditions. ClinVar contains an entry for this variant (Variation ID: 3145430). Invitae Evidence Modeling of protein sequence and biophysical properties (such as structural, functional, and spatial information, amino acid conservation, physicochemical variation, residue mobility, and thermodynamic stability) indicates that this missense variant is not expected to disrupt CLCN7 protein function with a negative predictive value of 95%. In summary, the available evidence is currently insufficient to determine the role of this variant in disease. Therefore, it has been classified as a Variant of Uncertain Significance.

Ambry Genetics
Classification: Uncertain significance for Inborn genetic diseases. Last evaluated: 2024-01-22. Review status: criteria provided, single submitter. Criteria: Ambry Variant Classification Scheme 2023. Collection method: clinical testing. Allele origin: germline.

NM_001287.6(CLCN7):c.391G>A (p.Ala131Thr)

Gene: CLCN7 (chloride voltage-gated channel 7; minus strand). Cytogenetic location: 16p13.3.
Variant type: single nucleotide variant.
Coding change: c.391G>A on transcript NM_001287.6 (MANE Select); coding-DNA position 391, G replaced by A.
Protein change: p.Ala131Thr; replaces alanine 131 with threonine.
Molecular consequence: missense variant.
Genome position (GRCh38, 1-based): chr16:1,460,909, C>T on the plus strand (G>A on the coding strand, the complement: CLCN7 is on the minus strand). VCF-style: chr16-1460909-C-T. GRCh37 (hg19) VCF-style: chr16-1510910-C-T.
Other names: c.319G>A, p.Ala107Thr (NM_001114331.3); short protein forms A107T, A131T.
Identifiers: ClinVar variation 3145430 (VCV003145430.3), dbSNP rs2038925568, ClinGen allele CA394192631.